The following is an entry in ClinVar:

ClinVar aggregate classification (germline): Pathogenic (1 of 4 stars; one submission).

Submission:

Labcorp Genetics (formerly Invitae), Labcorp
Classification: Pathogenic. Last evaluated: 2025-03-12. Review status: criteria provided, single submitter. Criteria: Invitae Variant Classification Sherloc (09022015). Collection method: clinical testing. Allele origin: germline.
Comment: This sequence change creates a premature translational stop signal (p.Ser637Argfs*14) in the PLOD3 gene. It is expected to result in an absent or disrupted protein product. Loss-of-function variants in PLOD3 are known to be pathogenic (PMID: 30237576). This variant is not present in population databases (gnomAD no frequency). This variant has not been reported in the literature in individuals affected with PLOD3-related conditions. For these reasons, this variant has been classified as Pathogenic.

Literature cited by the submitters: PubMed 30237576.

NM_001084.5(PLOD3):c.1909_1910dup (p.Ser637fs)

Gene: PLOD3 (procollagen-lysine,2-oxoglutarate 5-dioxygenase 3; minus strand). Cytogenetic location: 7q22.1.
Variant type: Microsatellite.
Coding change: c.1909_1910dup on transcript NM_001084.5 (MANE Select); coding-DNA positions 1909 to 1910, 2 bases duplicated (AG; older notation c.1909_1910dupAG).
Protein change: p.Ser637fs; shifts the reading frame from serine 637.
Molecular consequence: frameshift variant.
Genome position (GRCh38, 1-based): chr7:101,207,603-101,207,604, CT duplicated on the plus strand (AG on the coding strand, the reverse complement: PLOD3 is on the minus strand); duplicating any 2 consecutive bases within chr7:101,207,603-101,207,607 gives the same sequence; the c. name uses the placement nearest the transcript's 3' end. VCF-style (leftmost placement, unchanged base first): chr7-101207602-G-GCT. GRCh37 (hg19) VCF-style: chr7-100850883-G-GCT.
Other names: short protein forms S637fs.
Identifiers: ClinVar variation 4763903 (VCV004763903.1).